The following is an entry in ClinVar:

ClinVar aggregate classification (germline): Uncertain significance (1 of 4 stars; one submission).

Conditions:
MC3R-related disorder. Also called: MC3R-related condition.

Submission:

PreventionGenetics, part of Exact Sciences
Classification: Uncertain significance for MC3R-related condition. Last evaluated: 2026-08-18. Review status: criteria provided, single submitter. Criteria: ACMG Guidelines, 2015. Collection method: clinical testing. Allele origin: germline.
Comment: The MC3R c.541G>C variant is predicted to result in the amino acid substitution p.Val181Leu. To our knowledge, this variant has not been reported in the literature or in a large population database (gnomAD), indicating this variant is rare. At this time, the clinical significance of this variant is uncertain due to the absence of conclusive functional and genetic evidence.

NM_019888.3(MC3R):c.541G>C (p.Val181Leu)

Gene: MC3R (melanocortin 3 receptor; plus strand). Cytogenetic location: 20q13.2.
Variant type: single nucleotide variant.
Coding change: c.541G>C on transcript NM_019888.3 (MANE Select); coding-DNA position 541, G replaced by C.
Protein change: p.Val181Leu; replaces valine 181 with leucine.
Molecular consequence: missense variant.
Genome position (GRCh38, 1-based): chr20:56,249,384, G>C. VCF-style: chr20-56249384-G-C. GRCh37 (hg19) VCF-style: chr20-54824440-G-C.
Other names: short protein forms V181L.
Identifiers: ClinVar variation 4982914 (VCV004982914.1).